The following is an entry in ClinVar:

ClinVar aggregate classification (germline): Pathogenic (1 of 4 stars; one submission).

Submission:

CeGaT Center for Human Genetics Tuebingen
Classification: Pathogenic. Last evaluated: 2026-01-01. Review status: criteria provided, single submitter. Criteria: CeGaT Center For Human Genetics Tuebingen Variant Classification Criteria Version 2. Collection method: clinical testing. Allele origin: germline. Affected: yes. Observed: 1 variant allele.
Comment: GRIN1: PS1, PM1, PM2, PS2:Moderate, PP2, PS4:Supporting

NM_007327.4(GRIN1):c.1665G>A (p.Met555Ile)

Gene: GRIN1 (glutamate ionotropic receptor NMDA type subunit 1; plus strand). Cytogenetic location: 9q34.3.
Variant type: single nucleotide variant.
Coding change: c.1665G>A on transcript NM_007327.4 (MANE Select); coding-DNA position 1665, G replaced by A.
Protein change: p.Met555Ile; replaces methionine 555 with isoleucine.
Molecular consequence: missense variant.
Genome position (GRCh38, 1-based): chr9:137,162,204, G>A. VCF-style: chr9-137162204-G-A. GRCh37 (hg19) VCF-style: chr9-140056656-G-A.
Other names: c.1665G>A, p.Met555Ile (NM_000832.7, NM_021569.4); c.1728G>A, p.Met576Ile (NM_001185090.2, NM_001185091.2, NM_001437330.1 and 1 more transcripts); short protein forms M555I, M576I.
Identifiers: ClinVar variation 4820791 (VCV004820791.4).